The following is an entry in ClinVar:

ClinVar aggregate classification (germline): Uncertain significance. Review status: criteria provided, multiple submitters, no conflicts (2 of 4 stars). 2 submissions from 2 submitters: Uncertain significance (2). Last evaluated 2020-10-14.

Conditions:
Hereditary cancer-predisposing syndrome. Also called: Tumor predisposition; Hereditary neoplastic syndrome; Hereditary Cancer Syndrome; Neoplastic Syndromes, Hereditary. Identifiers: Orphanet 140162, MedGen C0027672, MeSH D009386, MONDO:0015356.
Rhabdoid tumor predisposition syndrome 2 (RTPS2). Identifiers: Orphanet 231108, Orphanet 69077, MedGen C2750074, MONDO:0013224, OMIM 613325.

Submissions (2):

Ambry Genetics
Classification: Uncertain significance for Hereditary cancer-predisposing syndrome. Last evaluated: 2020-10-14. Review status: criteria provided, single submitter. Criteria: Ambry Variant Classification Scheme 2023. Collection method: clinical testing. Allele origin: germline.
Comment: The p.T1570I variant (also known as c.4709C>T), located in coding exon 32 of the SMARCA4 gene, results from a C to T substitution at nucleotide position 4709. The threonine at codon 1570 is replaced by isoleucine, an amino acid with similar properties. This amino acid position is highly conserved in available vertebrate species. In addition, the in silico prediction for this alteration is inconclusive. Since supporting evidence is limited at this time, the clinical significance of this alteration remains unclear.

Labcorp Genetics (formerly Invitae), Labcorp
Classification: Uncertain significance for Rhabdoid tumor predisposition syndrome 2. Last evaluated: 2019-11-12. Review status: criteria provided, single submitter. Criteria: Invitae Variant Classification Sherloc (09022015). Collection method: clinical testing. Allele origin: germline.
Comment: In summary, the available evidence is currently insufficient to determine the role of this variant in disease. Therefore, it has been classified as a Variant of Uncertain Significance. Algorithms developed to predict the effect of missense changes on protein structure and function (SIFT, PolyPhen-2, Align-GVGD) all suggest that this variant is likely to be disruptive, but these predictions have not been confirmed by published functional studies and their clinical significance is uncertain. This variant has not been reported in the literature in individuals with SMARCA4-related conditions. This variant is not present in population databases (ExAC no frequency). This sequence change replaces threonine with isoleucine at codon 1570 of the SMARCA4 protein (p.Thr1570Ile). The threonine residue is highly conserved and there is a moderate physicochemical difference between threonine and isoleucine.

NM_003072.5(SMARCA4):c.4613C>T (p.Thr1538Ile)

Gene: SMARCA4 (SWI/SNF related BAF chromatin remodeling complex subunit ATPase 4; plus strand). Cytogenetic location: 19p13.2.
Variant type: single nucleotide variant.
Coding change: c.4613C>T on transcript NM_003072.5 (MANE Select); coding-DNA position 4613, C replaced by T.
Protein change: p.Thr1538Ile; replaces threonine 1538 with isoleucine.
Molecular consequence: missense variant. On other transcripts: non-coding transcript variant (1).
Genome position (GRCh38, 1-based): chr19:11,058,867, C>T. VCF-style: chr19-11058867-C-T. GRCh37 (hg19) VCF-style: chr19-11169543-C-T.
Other names: c.4613C>T, p.Thr1538Ile (NM_001128844.3); c.4523C>T, p.Thr1508Ile (NM_001128845.2); c.4520C>T, p.Thr1507Ile (NM_001128846.2); c.4514C>T, p.Thr1505Ile (NM_001128847.4, NM_001374457.1); c.4511C>T, p.Thr1504Ile (NM_001128848.2); c.4709C>T, p.Thr1570Ile (NM_001128849.3); short protein forms T1504I, T1508I, T1570I, T1505I, T1507I, T1538I.
Identifiers: ClinVar variation 962405 (VCV000962405.12), dbSNP rs2076695584, ClinGen allele CA404079021.